The following is an entry in ClinVar:

ClinVar aggregate classification (germline): Pathogenic/Likely pathogenic. Review status: criteria provided, multiple submitters, no conflicts (2 of 4 stars). 6 submissions from 6 submitters: Pathogenic (3); Likely pathogenic (2). 1 of the submissions does not count toward it. Last evaluated 2024-11-04.

Conditions:
Spastic paraplegia. Identifiers: MedGen C0037772, HP:0001258.
Charlevoix-Saguenay spastic ataxia (SACS). Also called: SPASTIC ATAXIA 6, AUTOSOMAL RECESSIVE; AUTOSOMAL RECESSIVE SPASTIC ATAXIA OF CHARLEVOIX-SAGUENAY; Spastic ataxia of Charlevoix-Saguenay. Identifiers: Orphanet 98, MedGen C1849140, MONDO:0010041, OMIM 270550.

Submissions (6):

GeneDx
Classification: Likely pathogenic. Last evaluated: 2024-11-04. Review status: criteria provided, single submitter. Criteria: GeneDx Variant Classification Process June 2021. Collection method: clinical testing. Allele origin: germline.
Comment: Reported previously with another SACS variant in an individual with cerebellar ataxia, impaired pursuit eye movement, and Babinski sign; parental testing to determine phase was not performed (PMID: 31429931); Frameshift variant predicted to result in abnormal protein length as the last 1018 amino acid(s) are replaced with 7 different amino acid(s), and other similar variants have been reported in HGMD; Not observed at significant frequency in large population cohorts (gnomAD); This variant is associated with the following publications: (PMID: 31429931, 39198013)

Fulgent Genetics
Classification: Likely pathogenic for Charlevoix-Saguenay spastic ataxia. Last evaluated: 2024-06-13. Review status: criteria provided, single submitter. Criteria: ACMG Guidelines, 2015. Collection method: clinical testing. Allele origin: germline.

Labcorp Genetics (formerly Invitae), Labcorp
Classification: Pathogenic for Spastic paraplegia. Last evaluated: 2024-02-05. Review status: criteria provided, single submitter. Criteria: Invitae Variant Classification Sherloc (09022015). Collection method: clinical testing. Allele origin: germline.
Comment: This sequence change creates a premature translational stop signal (p.Phe3562Leufs*8) in the SACS gene. While this is not anticipated to result in nonsense mediated decay, it is expected to disrupt the last 1018 amino acid(s) of the SACS protein. This variant is present in population databases (rs779338945, gnomAD 0.003%). This premature translational stop signal has been observed in individual(s) with early onset cerebellar ataxia (PMID: 31429931). This variant is also known as c.10686_10689delAAAG (p.F3562Lfs*7). ClinVar contains an entry for this variant (Variation ID: 370696). This variant disrupts a region of the SACS protein in which other variant(s) (p.Asn4549Asp) have been determined to be pathogenic (PMID: 15156359, 21507954). This suggests that this is a clinically significant region of the protein, and that variants that disrupt it are likely to be disease-causing. For these reasons, this variant has been classified as Pathogenic.

Baylor Genetics
Classification: Pathogenic for Charlevoix-Saguenay spastic ataxia. Last evaluated: 2023-06-25. Review status: criteria provided, single submitter. Criteria: ACMG Guidelines, 2015. Collection method: clinical testing. Allele origin: unknown.

PROSPAX: an integrated multimodal progression  chart in spastic ataxias, Center for Neurology; Hertie-Institute for Clinical Brain Research
Classification: Pathogenic for Charlevoix-Saguenay spastic ataxia. Last evaluated: 2022-01-01. Review status: criteria provided, single submitter. Criteria: ACMG Guidelines, 2015. Collection method: research. Allele origin: germline. Affected: yes. Observed: 1 variant allele, 1 compound heterozygote.

Counsyl
Classification: Likely pathogenic for Charlevoix-Saguenay spastic ataxia. Last evaluated: 2016-03-24. Review status: no assertion criteria provided. Collection method: clinical testing. Allele origin: unknown. Not counted in ClinVar's aggregate classification.

Literature cited by the submitters: PubMed 31429931 (cited by Labcorp Genetics (formerly Invitae), Labcorp); PubMed 15156359 (cited by Labcorp Genetics (formerly Invitae), Labcorp); PubMed 21507954 (cited by Labcorp Genetics (formerly Invitae), Labcorp).

NM_014363.6(SACS):c.10686_10689del (p.Phe3562fs)

Gene: SACS (sacsin molecular chaperone; minus strand). Cytogenetic location: 13q12.12.
Variant type: Deletion.
Coding change: c.10686_10689del on transcript NM_014363.6 (MANE Select); coding-DNA positions 10686 to 10689, 4 bases deleted (CTTT; older notation c.10686_10689delCTTT).
Protein change: p.Phe3562fs; shifts the reading frame from phenylalanine 3562.
Molecular consequence: frameshift variant.
Genome position (GRCh38, 1-based): chr13:23,333,187-23,333,190, AAAG deleted on the plus strand (CTTT on the coding strand, the reverse complement: SACS is on the minus strand); deleting any 4 consecutive bases within chr13:23,333,187-23,333,193 gives the same sequence; the c. name uses the placement nearest the transcript's 3' end. VCF-style (leftmost placement, unchanged base first): chr13-23333186-TAAAG-T. GRCh37 (hg19) VCF-style: chr13-23907325-TAAAG-T.
Other names: c.10245_10248del, p.Phe3415fs (NM_001278055.2); c.10686_10689del (NM_014363.4); short protein forms F3415fs, F3562fs.
Identifiers: ClinVar variation 370696 (VCV000370696.10), dbSNP rs779338945, ClinGen allele CA6910411.